The following is an entry in ClinVar:

NM_000540.3(RYR1):c.6891+1G>T

Gene: RYR1 (ryanodine receptor 1; plus strand). Cytogenetic location: 19q13.2.
Variant type: single nucleotide variant.
Coding change: c.6891+1G>T on transcript NM_000540.3 (MANE Select); the canonical splice donor site of the intron after coding-DNA position 6891, G replaced by T.
Molecular consequence: splice donor variant.
Genome position (GRCh38, 1-based): chr19:38,496,955, G>T. VCF-style: chr19-38496955-G-T. GRCh37 (hg19) VCF-style: chr19-38987595-G-T.
Other names: c.6891+1G>T (NM_001042723.2).
Identifiers: ClinVar variation 3233237 (VCV003233237.2), dbSNP rs2514295187.
Genomic context (GRCh38, chr19:38,496,955, plus strand): 5'-GCCTCCGTCATTGACAACAATGAGCTGGCCTTGGCATTGCAGGAGCAGGACCTGGAAAAG[G>T]TGTGGAGGGCAGGGCTGGGCCCCAGGCCTAAGGGAGGAAATCGGGCCGCTACCCGGCTGC-3'

ClinVar aggregate classification (germline): Pathogenic (1 of 4 stars; one submission).

Conditions:
Centronuclear myopathy (CNM). Also called: Centronuclear myopathy, congenital; Myotubular myopathy. Identifiers: Orphanet 595, MedGen C0175709, MONDO:0018947. Inheritance: All.

Submission:

Muscle and Diseases Team, Institut de Génétique et Biologie Moléculaire et Cellulaire
Classification: Pathogenic for Centronuclear myopathy. Last evaluated: 2024-03-01. Review status: criteria provided, single submitter. Criteria: ACMG Guidelines, 2015. Collection method: research. Allele origin: de novo. Affected: yes. Observed: 1 variant allele.
Comment: PVS1+PM2+PM3+PP1

Literature cited by the submitters: DOI 10.1186/s13073-024-01353-0; PubMed 28818389.